The following is an entry in ClinVar:

ClinVar aggregate classification (germline): Conflicting classifications of pathogenicity. Review status: criteria provided, conflicting classifications (1 of 4 stars). 6 submissions from 6 submitters: Uncertain significance (1); Benign (1); Likely benign (4). Last evaluated 2026-01-31.

Conditions:
OCA2-related disorder. Also called: OCA2-related condition.
Tyrosinase-positive oculocutaneous albinism (OCA2). Also called: Albinism, oculocutaneous, type II; Oculocutaneous albinism type 2; ALBINISM II. Identifiers: Orphanet 79432, MedGen C0268495, MONDO:0008746, OMIM 203200.

Allele frequency attached by ClinVar (database versions not stated): 1000 Genomes Project 0.00020; gnomAD 0.00028 and 0.00029; TOPMed 0.00033; ExAC 0.00034; gnomAD exomes 0.00038; ESP Exome Variant Server 0.00008; 1000 Genomes Project 30x 0.00016.
gnomAD v4.1: 507 of 1,611,820 alleles (0.031%); highest among the groups gnomAD compares: Non-Finnish European, 0.025%; 1 homozygote.

Submissions (6):

Labcorp Genetics (formerly Invitae), Labcorp
Classification: Benign. Last evaluated: 2026-01-31. Review status: criteria provided, single submitter. Criteria: Invitae Variant Classification Sherloc (09022015). Collection method: clinical testing. Allele origin: germline.

PreventionGenetics, part of Exact Sciences
Classification: Likely benign for OCA2-related condition. Last evaluated: 2025-06-26. Review status: criteria provided, single submitter. Criteria: ACMG Guidelines, 2015. Collection method: clinical testing. Allele origin: germline.
Comment: This variant is classified as likely benign based on ACMG/AMP sequence variant interpretation guidelines (Richards et al. 2015 PMID: 25741868, with internal and published modifications).

Blueprint Genetics
Classification: Likely benign. Last evaluated: 2024-10-24. Review status: criteria provided, single submitter. Criteria: ACMG Guidelines, 2015. Collection method: clinical testing. Allele origin: germline.

CeGaT Center for Human Genetics Tuebingen
Classification: Likely benign. Last evaluated: 2022-12-01. Review status: criteria provided, single submitter. Criteria: CeGaT Center For Human Genetics Tuebingen Variant Classification Criteria Version 2. Collection method: clinical testing. Allele origin: germline. Affected: yes. Observed: 1 variant allele.
Comment: OCA2: BP4, BP7

Genome-Nilou Lab
Classification: Likely benign for Tyrosinase-positive oculocutaneous albinism. Last evaluated: 2021-11-07. Review status: criteria provided, single submitter. Criteria: ACMG Guidelines, 2015. Collection method: clinical testing. Allele origin: germline. Affected: no.

Eurofins Ntd Llc (ga)
Classification: Uncertain significance. Last evaluated: 2015-02-12. Review status: criteria provided, single submitter. Criteria: EGL Classification Definitions 2015. Collection method: clinical testing. Allele origin: germline. Observed: 1 variant allele, 1 heterozygote.

NM_000275.3(OCA2):c.45G>A (p.Pro15=)

Gene: OCA2 (OCA2 melanosomal transmembrane protein; minus strand). Cytogenetic location: 15q13.1.
Variant type: single nucleotide variant.
Coding change: c.45G>A on transcript NM_000275.3 (MANE Select); coding-DNA position 45, G replaced by A.
Protein change: p.Pro15=; no amino-acid change (proline 15 retained).
Molecular consequence: synonymous variant.
Genome position (GRCh38, 1-based): chr15:28,081,830, C>T on the plus strand (G>A on the coding strand, the complement: OCA2 is on the minus strand). VCF-style: chr15-28081830-C-T. GRCh37 (hg19) VCF-style: chr15-28326976-C-T.
Other names: c.45G>A, p.Pro15= (NM_001300984.2).
Identifiers: ClinVar variation 195055 (VCV000195055.43), dbSNP rs202091837, ClinGen allele CA241320.
Genomic context (GRCh38, chr15:28,081,830, plus strand): 5'-CTTGCCGGCCACAAGTTCAGCGAGTCCGCTGGGCACGGACGTCTGCAGGAGCTCCACCGC[C>T]GGCGCGCCGGGGTACCGCCTGCCGTCTCTGCCCTCCAGATGCATGCTCCACTGCCAGTCT-3'
Protein context (NP_000266.2, residues 5-25): GRDGRRYPGA[Pro15=]AVELLQTSVP